The following is an entry in ClinVar:

NM_000465.4(BARD1):c.1195_1206del (p.Leu399_Ser402del)

Gene: BARD1 (BRCA1 associated RING domain 1; minus strand). Cytogenetic location: 2q35.
Variant type: Deletion.
Coding change: c.1195_1206del on transcript NM_000465.4 (MANE Select); coding-DNA positions 1195 to 1206, 12 bases deleted (TTAAGTAGTTCA).
Protein change: p.Leu399_Ser402del.
Molecular consequence: inframe deletion. On other transcripts: non-coding transcript variant (2), intron variant (3).
Genome position (GRCh38, 1-based): chr2:214,780,668-214,780,679, TGAACTACTTAA deleted on the plus strand (TTAAGTAGTTCA on the coding strand, the reverse complement: BARD1 is on the minus strand); deleting any 12 consecutive bases within chr2:214,780,668-214,780,681 gives the same sequence; the c. name uses the placement nearest the transcript's 3' end. VCF-style (leftmost placement, unchanged base first): chr2-214780667-TTGAACTACTTAA-T. GRCh37 (hg19) VCF-style: chr2-215645391-TTGAACTACTTAA-T.
Other names: c.1138_1149del, p.Leu380_Ser383del (NM_001282543.2); c.159-28124_159-28113del (NM_001282548.2); c.215+16382_215+16393del (NM_001282545.2); c.364+11618_364+11629del (NM_001282549.2).
Identifiers: ClinVar variation 3820371 (VCV003820371.1).

ClinVar aggregate classification (germline): Uncertain significance (1 of 4 stars; one submission).

Conditions:
Hereditary cancer-predisposing syndrome. Also called: Hereditary neoplastic syndrome; Neoplastic Syndromes, Hereditary; Tumor predisposition; Hereditary Cancer Syndrome. Identifiers: Orphanet 140162, MedGen C0027672, MeSH D009386, MONDO:0015356.

Submission:

Ambry Genetics
Classification: Uncertain significance for Hereditary cancer-predisposing syndrome. Last evaluated: 2024-12-20. Review status: criteria provided, single submitter. Criteria: Ambry Variant Classification Scheme 2023. Collection method: clinical testing. Allele origin: germline.
Comment: The c.1195_1206del12 variant (also known as p.L399_S402del) is located in coding exon 4 of the BARD1 gene. This variant results from an in-frame TTAAGTAGTTCA deletion at nucleotide positions 1195 to 1206. This results in the in-frame deletion of 4 amino acids (LSSS) at codons 399 to 402. This amino acid region is not well conserved on species alignment. In addition, this alteration is predicted to be deleterious by in silico analysis (Choi Y et al. PLoS ONE. 2012; 7(10):e46688). Based on the available evidence, the clinical significance of this variant remains unclear.